The following is an entry in ClinVar:

NM_018979.4(WNK1):c.3614G>C (p.Gly1205Ala)

Gene: WNK1 (WNK lysine deficient protein kinase 1; plus strand). Cytogenetic location: 12p13.33.
Variant type: single nucleotide variant.
Coding change: c.3614G>C on transcript NM_018979.4 (MANE Select); coding-DNA position 3614, G replaced by C.
Protein change: p.Gly1205Ala; replaces glycine 1205 with alanine.
Molecular consequence: missense variant.
Genome position (GRCh38, 1-based): chr12:883,519, G>C. VCF-style: chr12-883519-G-C. GRCh37 (hg19) VCF-style: chr12-992685-G-C.
Other names: c.4394G>C, p.Gly1465Ala (NM_001184985.2); c.2873G>C, p.Gly958Ala (NM_014823.3); c.4370G>C, p.Gly1457Ala (NM_213655.5); short protein forms G1205A, G1465A, G958A, G1457A.
Identifiers: ClinVar variation 1740092 (VCV001740092.2), dbSNP rs761597327, ClinGen allele CA383329285.

ClinVar aggregate classification (germline): Uncertain significance (1 of 4 stars; one submission).

Conditions:
Inborn genetic diseases. Identifiers: MedGen C0950123, MeSH D030342.

gnomAD v4.1: 1 of 1,614,192 alleles (0.000062%); highest among the groups gnomAD compares: South Asian, 0.0011%; no homozygotes.

Submission:

Ambry Genetics
Classification: Uncertain significance for Inborn genetic diseases. Last evaluated: 2020-02-03. Review status: criteria provided, single submitter. Criteria: Ambry Variant Classification Scheme 2023. Collection method: clinical testing. Allele origin: germline.
Comment: The p.G1457A variant (also known as c.4370G>C), located in coding exon 16 of the WNK1 gene, results from a G to C substitution at nucleotide position 4370. The glycine at codon 1457 is replaced by alanine, an amino acid with similar properties. This amino acid position is well conserved in available vertebrate species. In addition, this alteration is predicted to be tolerated by in silico analysis. Since supporting evidence is limited at this time, the clinical significance of this alteration remains unclear.